The following is an entry in ClinVar:

ClinVar aggregate classification (germline): Uncertain significance. Review status: criteria provided, multiple submitters, no conflicts (2 of 4 stars). 2 submissions from 2 submitters: Uncertain significance (2). Last evaluated 2022-04-18.

Allele frequency attached by ClinVar (database versions not stated): gnomAD exomes below 0.00001.
gnomAD v4.1: 2 of 1,613,498 alleles (0.00012%); highest among the groups gnomAD compares: Non-Finnish European, 0.000085%; no homozygotes.

Submissions (2):

Labcorp Genetics (formerly Invitae), Labcorp
Classification: Uncertain significance. Last evaluated: 2022-04-18. Review status: criteria provided, single submitter. Criteria: Invitae Variant Classification Sherloc (09022015). Collection method: clinical testing. Allele origin: germline.
Comment: In summary, the available evidence is currently insufficient to determine the role of this variant in disease. Therefore, it has been classified as a Variant of Uncertain Significance. Advanced modeling of protein sequence and biophysical properties (such as structural, functional, and spatial information, amino acid conservation, physicochemical variation, residue mobility, and thermodynamic stability) performed at Invitae indicates that this missense variant is not expected to disrupt GRIN2D protein function. ClinVar contains an entry for this variant (Variation ID: 1309059). This variant has not been reported in the literature in individuals affected with GRIN2D-related conditions. The frequency data for this variant in the population databases is considered unreliable, as metrics indicate poor data quality at this position in the gnomAD database. This sequence change replaces threonine, which is neutral and polar, with methionine, which is neutral and non-polar, at codon 222 of the GRIN2D protein (p.Thr222Met).

GeneDx
Classification: Uncertain significance. Last evaluated: 2019-10-03. Review status: criteria provided, single submitter. Criteria: GeneDx Variant Classification Process June 2021. Collection method: clinical testing. Allele origin: germline. Affected: yes.
Comment: In silico analysis, which includes protein predictors and evolutionary conservation, supports that this variant does not alter protein structure/function; Has not been previously published as pathogenic or benign to our knowledge

NM_000836.4(GRIN2D):c.665C>T (p.Thr222Met)

Gene: GRIN2D (glutamate ionotropic receptor NMDA type subunit 2D; plus strand). Cytogenetic location: 19q13.33.
Variant type: single nucleotide variant.
Coding change: c.665C>T on transcript NM_000836.4 (MANE Select); coding-DNA position 665, C replaced by T.
Protein change: p.Thr222Met; replaces threonine 222 with methionine.
Molecular consequence: missense variant.
Genome position (GRCh38, 1-based): chr19:48,404,933, C>T. VCF-style: chr19-48404933-C-T. GRCh37 (hg19) VCF-style: chr19-48908190-C-T.
Other names: short protein forms T222M.
Identifiers: ClinVar variation 1309059 (VCV001309059.6), dbSNP rs1182846180, ClinGen allele CA406691674.
Genomic context (GRCh38, chr19:48,404,933, plus strand): 5'-CCTACATTGAGGTGCTGACTGACGGTAGTCTGGTGGGCTGGGAGCACCGCGGAGCGCTGA[C>T]GCTGGACCCTGGGGCGGGCGAGGCCGTGCTCAGTGCCCAGCTCCGCAGTGTCAGCGCGCA-3'
Protein context (NP_000827.2, residues 212-232): LVGWEHRGAL[Thr222Met]LDPGAGEAVL